The following is an entry in ClinVar:

ClinVar aggregate classification (germline): Likely pathogenic (1 of 4 stars; one submission).

Conditions:
Primary ciliary dyskinesia. Also called: Ciliary dyskinesia. Identifiers: Orphanet 244, MedGen C0008780, MONDO:0016575, HP:0012265.

Submission:

Labcorp Genetics (formerly Invitae), Labcorp
Classification: Likely pathogenic for Primary ciliary dyskinesia. Last evaluated: 2023-10-13. Review status: criteria provided, single submitter. Criteria: Invitae Variant Classification Sherloc (09022015). Collection method: clinical testing. Allele origin: germline.
Comment: This sequence change affects an acceptor splice site in intron 41 of the DNAH11 gene. It is expected to disrupt RNA splicing. Variants that disrupt the donor or acceptor splice site typically lead to a loss of protein function (PMID: 16199547), and loss-of-function variants in DNAH11 are known to be pathogenic (PMID: 18022865, 20513915, 22184204). This variant is not present in population databases (gnomAD no frequency). This variant has not been reported in the literature in individuals affected with DNAH11-related conditions. Algorithms developed to predict the effect of sequence changes on RNA splicing suggest that this variant may disrupt the consensus splice site. In summary, the currently available evidence indicates that the variant is pathogenic, but additional data are needed to prove that conclusively. Therefore, this variant has been classified as Likely Pathogenic.

Literature cited by the submitters: PubMed 16199547; PubMed 18022865; PubMed 20513915; PubMed 22184204.

NM_001277115.2(DNAH11):c.6835-1G>A

Gene: DNAH11 (dynein axonemal heavy chain 11; plus strand). Cytogenetic location: 7p15.3.
Variant type: single nucleotide variant.
Coding change: c.6835-1G>A on transcript NM_001277115.2 (MANE Select); the canonical splice acceptor site of the intron before coding-DNA position 6835, G replaced by A.
Molecular consequence: splice acceptor variant.
Genome position (GRCh38, 1-based): chr7:21,711,711, G>A. VCF-style: chr7-21711711-G-A. GRCh37 (hg19) VCF-style: chr7-21751329-G-A.
Identifiers: ClinVar variation 2768066 (VCV002768066.3), dbSNP rs2534990487, ClinGen allele CA366941212.
Genomic context (GRCh38, chr7:21,711,711, plus strand): 5'-TGCTTCTGGATGTTTGCGGCATTGCTTTTGCCCATGGGTGACAGTGTGCTGCTCACTCCA[G>A]GTGCTGACCCTCGCCAGCAATGAGCGCATTGCACTCACTCCCTTCATGAGGCTTCTGTTT-3'